The following is an entry in ClinVar:

NM_001408.3(CELSR2):c.2085G>A (p.Thr695=)

Gene: CELSR2 (cadherin EGF LAG seven-pass G-type receptor 2; plus strand). Cytogenetic location: 1p13.3.
Variant type: single nucleotide variant.
Coding change: c.2085G>A on transcript NM_001408.3 (MANE Select); coding-DNA position 2085, G replaced by A.
Protein change: p.Thr695=; no amino-acid change (threonine 695 retained).
Molecular consequence: synonymous variant.
Genome position (GRCh38, 1-based): chr1:109,252,164, G>A. VCF-style: chr1-109252164-G-A. GRCh37 (hg19) VCF-style: chr1-109794786-G-A.
Identifiers: ClinVar variation 2638967 (VCV002638967.24), dbSNP rs369571270, ClinGen allele CA986684.

ClinVar aggregate classification (germline): Likely benign (1 of 4 stars; one submission).

Allele frequency attached by ClinVar (database versions not stated): ExAC 0.00004; TOPMed 0.00004; ESP Exome Variant Server 0.00008.
gnomAD v4.1: 51 of 1,613,828 alleles (0.0032%); highest among the groups gnomAD compares: African/African-American, 0.008%; no homozygotes.

Submission:

CeGaT Center for Human Genetics Tuebingen
Classification: Likely benign. Last evaluated: 2022-07-01. Review status: criteria provided, single submitter. Criteria: CeGaT Center For Human Genetics Tuebingen Variant Classification Criteria Version 2. Collection method: clinical testing. Allele origin: germline. Affected: yes. Observed: 1 variant allele.
Comment: CELSR2: BP4, BP7